The following is an entry in ClinVar:

ClinVar aggregate classification (germline): Uncertain significance. Review status: criteria provided, multiple submitters, no conflicts (2 of 4 stars). 2 submissions from 2 submitters: Uncertain significance (2). Last evaluated 2023-12-18.

Conditions:
Inborn genetic diseases. Identifiers: MedGen C0950123, MeSH D030342.

Allele frequency attached by ClinVar (database versions not stated): TOPMed 0.00005.
gnomAD v4.1: 38 of 1,606,868 alleles (0.0024%); highest among the groups gnomAD compares: Admixed American, 0.063%; no homozygotes.

Submissions (2):

Ambry Genetics
Classification: Uncertain significance for Inborn genetic diseases. Last evaluated: 2023-12-18. Review status: criteria provided, single submitter. Criteria: Ambry Variant Classification Scheme 2023. Collection method: clinical testing. Allele origin: germline.

Labcorp Genetics (formerly Invitae), Labcorp
Classification: Uncertain significance. Last evaluated: 2022-08-08. Review status: criteria provided, single submitter. Criteria: Invitae Variant Classification Sherloc (09022015). Collection method: clinical testing. Allele origin: germline.
Comment: This sequence change replaces threonine, which is neutral and polar, with serine, which is neutral and polar, at codon 53 of the EXOSC9 protein (p.Thr53Ser). This variant is present in population databases (rs565461980, gnomAD 0.1%). This variant has not been reported in the literature in individuals affected with EXOSC9-related conditions. Algorithms developed to predict the effect of missense changes on protein structure and function are either unavailable or do not agree on the potential impact of this missense change (SIFT: "Deleterious"; PolyPhen-2: "Possibly Damaging"; Align-GVGD: "Class C0"). In summary, the available evidence is currently insufficient to determine the role of this variant in disease. Therefore, it has been classified as a Variant of Uncertain Significance.

NM_005033.3(EXOSC9):c.157A>T (p.Thr53Ser)

Gene: EXOSC9 (exosome component 9; plus strand). Cytogenetic location: 4q27.
Variant type: single nucleotide variant.
Coding change: c.157A>T on transcript NM_005033.3 (MANE Select); coding-DNA position 157, A replaced by T.
Protein change: p.Thr53Ser; replaces threonine 53 with serine.
Molecular consequence: missense variant.
Genome position (GRCh38, 1-based): chr4:121,801,917, A>T. VCF-style: chr4-121801917-A-T. GRCh37 (hg19) VCF-style: chr4-122723072-A-T.
Other names: c.157A>T, p.Thr53Ser (NM_001034194.2); c.157A>T (NM_001034194.1); short protein forms T53S.
Identifiers: ClinVar variation 2177172 (VCV002177172.2), dbSNP rs565461980, ClinGen allele CA3063292.